The following is an entry in ClinVar:

ClinVar aggregate classification (germline): Pathogenic (1 of 4 stars; one submission).

Conditions:
Familial adenomatous polyposis 1 (FAP1). Also called: POLYPOSIS, ADENOMATOUS INTESTINAL; FAMILIAL ADENOMATOUS POLYPOSIS 1, ATTENUATED. Identifiers: MedGen C2713442, MONDO:0021056, OMIM 175100. Disease mechanism: loss of function.

Submission:

Labcorp Genetics (formerly Invitae), Labcorp
Classification: Pathogenic for Familial adenomatous polyposis 1. Last evaluated: 2021-09-01. Review status: criteria provided, single submitter. Criteria: Invitae Variant Classification Sherloc (09022015). Collection method: clinical testing. Allele origin: germline.
Comment: This sequence change inserts a large fragment of DNA, likely a transposable element, in exon 15 of the APC gene (c.1910_1911ins?), causing a frameshift at codon 638 (p.Ile638fs). The exact size and sequence of the insertion cannot be determined by the current assay. However, the insertion is expected to result in an absent or disrupted protein product. This variant is not present in population databases (ExAC no frequency). This variant has not been reported in the literature in individuals affected with APC-related conditions. Algorithms developed to predict the effect of sequence changes on RNA splicing suggest that this variant may create or strengthen a splice site. This variant is expected to disrupt the EB1 and HDLG binding sites, which mediate interactions with the cytoskeleton (PMID: 15311282, 17293347). While functional studies have not been performed to directly test the effect on APC protein function, this suggests that disruption of the C-terminal portion of the protein is functionally important. A different truncation (p.Tyr2645Lysfs*14) that lies downstream of this variant has been determined to be pathogenic (PMID: 9824584, 1316610, 27081525, 8381579, 22135120, Invitae). This suggests that deletion of this region of the APC protein is causative of disease. Retrotransposon insertions including LINE1 (L1), Alu, and SVA (SINE-VNTR-Alu) have been reported to disrupt protein function (PMID: 19763152, 20307669, 22406018). However the effect of this particular variant is unknown. For these reasons, this variant has been classified as Pathogenic.

Literature cited by the submitters: PubMed 15311282; PubMed 17293347; PubMed 9824584; PubMed 1316610; PubMed 27081525; PubMed 8381579; PubMed 22135120; PubMed 19763152; PubMed 20307669; PubMed 22406018.

NM_000038.6(APC):c.1910_1911insAGGAGCGGACGGGGCCCCCGGGGGCCGCGGGGGAGGCGCACCCCCCCGCCATTGCCACCCCCACTGCCGCGATTGCAACCACAGCCCCGCGGCCCCCCCCACGGNNNNNNNNNNAAAAAAAAAAAAAAAAAAAAGAAAGTGGAGGTGG (p.Ile638fs)

Gene: APC (APC regulator of Wnt signaling pathway; plus strand). Cytogenetic location: 5q22.2.
Variant type: Insertion.
Coding change: c.1910_1911insAGGAGCGGACGGGGCCCCCGGGGGCCGCGGGGGAGGCGCACCCCCCCGCCATTGCCACCCCCACTGCCGCGATTGCAACCACAGCCCCGCGGCCCCCCCCACGGNNNNNNNNNNAAAAAAAAAAAAAAAAAAAAGAAAGTGGAGGTGG on transcript NM_000038.6 (MANE Select); coding-DNA positions 1910 to 1911, AGGAGCGGACGGGGCCCCCGGGGGCCGCGGGGGAGGCGCACCCCCCCGCCATTGCCACCCCCACTGCCGCGATTGCAACCACAGCCCCGCGGCCCCCCCCACGGNNNNNNNNNNAAAAAAAAAAAAAAAAAAAAGAAAGTGGAGGTGG inserted.
Protein change: p.Ile638fs; shifts the reading frame from isoleucine 638.
Molecular consequence: frameshift variant.
Genome position: GRCh38: chr5:112,835,117-112,835,118. GRCh37 (hg19): chr5:112,170,814-112,170,815.
Other names: c.1910_1911insAGGAGCGGACGGGGCCCCCGGGGGCCGCGGGGGAGGCGCACCCCCCCGCCATTGCCACCCCCACTGCCGCGATTGCAACCACAGCCCCGCGGCCCCCCCCACGGNNNNNNNNNNAAAAAAAAAAAAAAAAAAAAGAAAGTGGAGGTGG, p.Ile638fs (NM_001127510.3, NM_001354895.2); c.1856_1857insAGGAGCGGACGGGGCCCCCGGGGGCCGCGGGGGAGGCGCACCCCCCCGCCATTGCCACCCCCACTGCCGCGATTGCAACCACAGCCCCGCGGCCCCCCCCACGGNNNNNNNNNNAAAAAAAAAAAAAAAAAAAAGAAAGTGGAGGTGG, p.Ile620fs (NM_001127511.3); c.1964_1965insAGGAGCGGACGGGGCCCCCGGGGGCCGCGGGGGAGGCGCACCCCCCCGCCATTGCCACCCCCACTGCCGCGATTGCAACCACAGCCCCGCGGCCCCCCCCACGGNNNNNNNNNNAAAAAAAAAAAAAAAAAAAAGAAAGTGGAGGTGG, p.Ile656fs (NM_001354896.2); c.1940_1941insAGGAGCGGACGGGGCCCCCGGGGGCCGCGGGGGAGGCGCACCCCCCCGCCATTGCCACCCCCACTGCCGCGATTGCAACCACAGCCCCGCGGCCCCCCCCACGGNNNNNNNNNNAAAAAAAAAAAAAAAAAAAAGAAAGTGGAGGTGG, p.Ile648fs (NM_001354897.2); c.1835_1836insAGGAGCGGACGGGGCCCCCGGGGGCCGCGGGGGAGGCGCACCCCCCCGCCATTGCCACCCCCACTGCCGCGATTGCAACCACAGCCCCGCGGCCCCCCCCACGGNNNNNNNNNNAAAAAAAAAAAAAAAAAAAAGAAAGTGGAGGTGG, p.Ile613fs (NM_001354898.2); c.1826_1827insAGGAGCGGACGGGGCCCCCGGGGGCCGCGGGGGAGGCGCACCCCCCCGCCATTGCCACCCCCACTGCCGCGATTGCAACCACAGCCCCGCGGCCCCCCCCACGGNNNNNNNNNNAAAAAAAAAAAAAAAAAAAAGAAAGTGGAGGTGG, p.Ile610fs (NM_001354899.2); c.1787_1788insAGGAGCGGACGGGGCCCCCGGGGGCCGCGGGGGAGGCGCACCCCCCCGCCATTGCCACCCCCACTGCCGCGATTGCAACCACAGCCCCGCGGCCCCCCCCACGGNNNNNNNNNNAAAAAAAAAAAAAAAAAAAAGAAAGTGGAGGTGG, p.Ile597fs (NM_001354900.2); c.1733_1734insAGGAGCGGACGGGGCCCCCGGGGGCCGCGGGGGAGGCGCACCCCCCCGCCATTGCCACCCCCACTGCCGCGATTGCAACCACAGCCCCGCGGCCCCCCCCACGGNNNNNNNNNNAAAAAAAAAAAAAAAAAAAAGAAAGTGGAGGTGG, p.Ile579fs (NM_001354901.2); and 5 more; short protein forms I537fs, I579fs, I613fs, I355fs, I547fs, I610fs, I656fs, I512fs.
Identifiers: ClinVar variation 1458182 (VCV001458182.6), dbSNP rs2149843532.